The following is an entry in ClinVar:

ClinVar aggregate classification (germline): Conflicting classifications of pathogenicity. Review status: criteria provided, conflicting classifications (1 of 4 stars). 8 submissions from 8 submitters: Pathogenic (1); Likely pathogenic (2); Uncertain significance (5). Last evaluated 2026-01-18.

Conditions:
TPM1-related disorder. Also called: TPM1-related condition.
Cardiovascular phenotype. Identifiers: MedGen CN230736.
Primary dilated cardiomyopathy (DCM). Also called: Dilated Cardiomyopathy. Identifiers: Orphanet 217604, MedGen C0007193, MeSH D002311, MONDO:0005021, HP:0001644. Inheritance: Various modes of inheritance.
Cardiomyopathy (CMYO). Also called: Cardiomyopathies. Identifiers: Orphanet 167848, MedGen C0878544, MONDO:0004994, HP:0001638. Inheritance: Various modes of inheritance.
Hypertrophic cardiomyopathy. Also called: HYPERTROPHIC MYOCARDIOPATHY. Identifiers: Orphanet 217569, MedGen C0007194, MeSH D002312, MONDO:0005045, HP:0001639.

Submissions (8):

Labcorp Genetics (formerly Invitae), Labcorp
Classification: Pathogenic for Hypertrophic cardiomyopathy. Last evaluated: 2026-01-18. Review status: criteria provided, single submitter. Criteria: Invitae Variant Classification Sherloc (09022015). Collection method: clinical testing. Allele origin: germline.
Comment: This sequence change replaces isoleucine, which is neutral and non-polar, with threonine, which is neutral and polar, at codon 130 of the TPM1 protein (p.Ile130Thr). This variant is not present in population databases (gnomAD no frequency). This missense change has been observed in individuals with clinical features of dilated cardiomyopathy (internal data). It has also been observed to segregate with disease in related individuals. ClinVar contains an entry for this variant (Variation ID: 165566). An algorithm developed to predict the effect of missense changes on protein structure and function (PolyPhen-2) suggests that this variant is likely to be disruptive. For these reasons, this variant has been classified as Pathogenic.

Ambry Genetics
Classification: Likely pathogenic for Cardiovascular phenotype. Last evaluated: 2025-10-02. Review status: criteria provided, single submitter. Criteria: Ambry Variant Classification Scheme 2023. Collection method: clinical testing. Allele origin: germline.
Comment: The c.389T>C (p.I130T) alteration is located in exon 4 (coding exon 4) of the TPM1 gene. This alteration results from a T to C substitution at nucleotide position 389, causing the isoleucine (I) at amino acid position 130 to be replaced by a threonine (T). This variant was not reported in population-based cohorts in the Genome Aggregation Database (gnomAD). This variant has been reported in subjects with dilated cardiomyopathy (DCM) and has been shown to segregate with disease (Perret, 2024; Ambry internal data; external communication). This variant has also been reported in a subject with features of Timothy syndrome, who had variants in other cardiac-related genes (Bozarth, 2018). This amino acid position is highly conserved in available vertebrate species. This alteration is predicted to be deleterious by in silico analysis. Based on the available evidence, this alteration is classified as likely pathogenic.

Color Diagnostics, LLC DBA Color Health
Classification: Uncertain significance for Cardiomyopathy. Last evaluated: 2024-05-07. Review status: criteria provided, single submitter. Criteria: ACMG Guidelines, 2015. Collection method: clinical testing. Allele origin: germline.
Comment: This missense variant replaces isoleucine with threonine at codon 130 of the TPM1 protein. Computational prediction tools indicate that this variant has a deleterious impact on protein structure and function. To our knowledge, functional studies have not been reported for this variant. This variant has been reported in one individual affected with congenital cardiac anomalies and cardiomyopathy (PMID: 30513141). It has also been reported in individuals affected with dilated cardiomyopathy (PMID: 37904629; ClinVar variation ID: 165566). This variant has not been identified in the general population by the Genome Aggregation Database (gnomAD). The available evidence is insufficient to determine the role of this variant in disease conclusively. Therefore, this variant is classified as a Variant of Uncertain Significance.

All of Us Research Program, National Institutes of Health
Classification: Uncertain significance for Hypertrophic cardiomyopathy. Last evaluated: 2023-10-02. Review status: criteria provided, single submitter. Criteria: ACMG Guidelines, 2015. Collection method: clinical testing. Allele origin: germline. Inheritance: Autosomal dominant inheritance. Observed: 3 variant alleles, 3 heterozygotes.
Comment: This missense variant replaces isoleucine with threonine at codon 130 of the TPM1 protein. Computational prediction suggests that this variant may have a deleterious impact on protein structure and function (internally defined REVEL score threshold >= 0.7, PMID: 27666373). To our knowledge, functional studies have not been reported for this variant. This variant has been reported in an individual affected with congenital cardiac anomalies and cardiomyopathy (PMID: 30513141). It has also been reported in individuals affected with dilated cardiomyopathy (ClinVar variation ID: 165566). This variant has not been identified in the general population by the Genome Aggregation Database (gnomAD). The available evidence is insufficient to determine the role of this variant in disease conclusively. Therefore, this variant is classified as a Variant of Uncertain Significance.

This study involves interpretation of variants in research participants for the purpose of population health screening. Participant phenotype was not available at the time of variant classification. Additional details can be found in publication PMID: 35346344, PMCID: PMC8962531

Laboratory for Molecular Medicine, Mass General Brigham Personalized Medicine
Classification: Uncertain significance for Primary dilated cardiomyopathy. Last evaluated: 2022-12-20. Review status: criteria provided, single submitter. Criteria: ACMG Guidelines, 2015. Collection method: clinical testing. Allele origin: germline. Inheritance: Autosomal dominant inheritance.
Comment: It has also been identified in 1 individual with cardiac anomalies and cardiomyopathy who carried a second variant in a gene that may potentially explain their disease (Bozarth 2018, PMID: 30513141). This variant has also been reported by other clinical laboratories in ClinVar (Variation ID 165566) and was absent from large population studies. Computational prediction tools and conservation analyses suggest that this variant may impact the protein, though this information is not predictive enough to determine pathogenicity. In summary, the clinical significance of this variant is uncertain. ACMG/AMP Criteria applied: PM2_Supporting, PP3.

GeneDx
Classification: Uncertain significance. Last evaluated: 2022-04-26. Review status: criteria provided, single submitter. Criteria: GeneDx Variant Classification Process June 2021. Collection method: clinical testing. Allele origin: germline. Affected: yes.
Comment: The proband additionally harbored the I130T variant in the TPM1 gene, which was not observed in the affected father, and the mother did not undergo testing (Bozarth et al., 2018).; Not observed in large population cohorts (gnomAD); In silico analysis supports that this missense variant has a deleterious effect on protein structure/function; This variant is associated with the following publications: (PMID: 28359939, 30513141)

Blueprint Genetics
Classification: Likely pathogenic for TPM1-related disorders. Last evaluated: 2018-10-19. Review status: criteria provided, single submitter. Criteria: ACMG Guidelines, 2015. Collection method: clinical testing. Allele origin: germline. Affected: yes. Observed: 2 variant alleles.

Stanford Center for Inherited Cardiovascular Disease, Stanford University
Classification: Uncertain significance. Last evaluated: 2017-08-24. Review status: criteria provided, single submitter. Criteria: ACMG Guidelines, 2015. Collection method: provider interpretation. Allele origin: germline.

Literature cited by the submitters: PubMed 30513141 (cited by 3 submitters); PubMed 37904629 (cited by Ambry Genetics and Color Diagnostics, LLC DBA Color Health).

NM_001018005.2(TPM1):c.389T>C (p.Ile130Thr)

Gene: TPM1 (tropomyosin 1; plus strand). Cytogenetic location: 15q22.2.
Variant type: single nucleotide variant.
Coding change: c.389T>C on transcript NM_001018005.2 (MANE Select); coding-DNA position 389, T replaced by C.
Protein change: p.Ile130Thr; replaces isoleucine 130 with threonine.
Molecular consequence: missense variant.
Genome position (GRCh38, 1-based): chr15:63,059,577, T>C. VCF-style: chr15-63059577-T-C. GRCh37 (hg19) VCF-style: chr15-63351776-T-C.
Other names: c.389T>C, p.Ile130Thr (NM_000366.6, NM_001018004.2, NM_001018006.2 and 6 more transcripts); c.281T>C, p.Ile94Thr (NM_001018008.2, NM_001301289.2, NM_001330344.2 and 5 more transcripts); c.515T>C, p.Ile172Thr (NM_001365778.1); short protein forms I130T, I94T, I172T.
Identifiers: ClinVar variation 165566 (VCV000165566.30), dbSNP rs727503517, ClinGen allele CA018016.